The following is an entry in ClinVar:

NM_016204.4(GDF2):c.652G>A (p.Asp218Asn)

Gene: GDF2 (growth differentiation factor 2; plus strand). Cytogenetic location: 10q11.22.
Variant type: single nucleotide variant.
Coding change: c.652G>A on transcript NM_016204.4 (MANE Select); coding-DNA position 652, G replaced by A.
Protein change: p.Asp218Asn; replaces aspartic acid 218 with asparagine.
Molecular consequence: missense variant.
Genome position (GRCh38, 1-based): chr10:47,325,146, G>A. VCF-style: chr10-47325146-G-A. GRCh37 (hg19) VCF-style: chr10-48414216-C-T.
Other names: short protein forms D218N.
Identifiers: ClinVar variation 695467 (VCV000695467.18), dbSNP rs142402214, ClinGen allele CA5488059.
Genomic context (GRCh38, chr10:47,325,146, plus strand): 5'-CAGGATGAGGGCTGGGAGACCTTGGAAGTGTCCAGCGCCGTGAAGCGCTGGGTCCGGTCC[G>A]ACTCCACCAAGAGCAAAAATAAGCTGGAAGTGACTGTGGAGAGCCACAGGAAGGGCTGCG-3'
Protein context (NP_057288.1, residues 208-228): SSAVKRWVRS[Asp218Asn]STKSKNKLEV

ClinVar aggregate classification (germline): Benign/Likely benign. Review status: criteria provided, multiple submitters, no conflicts (2 of 4 stars). 7 submissions from 7 submitters: Benign (6); Likely benign (1). Last evaluated 2026-07-01.

Conditions:
Telangiectasia, hereditary hemorrhagic, type 5 (HHT5). Identifiers: Orphanet 774, MedGen C3809710, MONDO:0014217, OMIM 615506.
Cardiovascular phenotype. Identifiers: MedGen CN230736.

Allele frequency attached by ClinVar (database versions not stated): ESP Exome Variant Server 0.00077; gnomAD 0.00096 and 0.00131; TOPMed 0.00137; gnomAD exomes 0.00271; ExAC 0.00318; 1000 Genomes Project 30x 0.00390; 1000 Genomes Project 0.00419.
gnomAD v4.1: 2,780 of 1,613,882 alleles (0.17%); highest among the groups gnomAD compares: South Asian, 1.3%; 27 homozygotes.

Submissions (7):

CeGaT Center for Human Genetics Tuebingen
Classification: Benign. Last evaluated: 2026-07-01. Review status: criteria provided, single submitter. Criteria: CeGaT Center For Human Genetics Tuebingen Variant Classification Criteria Version 2. Collection method: clinical testing. Allele origin: germline. Affected: yes. Observed: 1 variant allele.
Comment: GDF2: BS1, BS2

Labcorp Genetics (formerly Invitae), Labcorp
Classification: Benign for Telangiectasia, hereditary hemorrhagic, type 5. Last evaluated: 2026-02-04. Review status: criteria provided, single submitter. Criteria: Invitae Variant Classification Sherloc (09022015). Collection method: clinical testing. Allele origin: germline.

Blueprint Genetics
Classification: Likely benign. Last evaluated: 2024-11-26. Review status: criteria provided, single submitter. Criteria: ACMG Guidelines, 2015. Collection method: clinical testing. Allele origin: germline.

Fulgent Genetics
Classification: Benign for Telangiectasia, hereditary hemorrhagic, type 5. Last evaluated: 2021-07-26. Review status: criteria provided, single submitter. Criteria: ACMG Guidelines, 2015. Collection method: clinical testing. Allele origin: unknown.

GeneDx
Classification: Benign. Last evaluated: 2020-03-16. Review status: criteria provided, single submitter. Criteria: GeneDx Variant Classification Process June 2021. Collection method: clinical testing. Allele origin: germline. Affected: yes.
Comment: This variant is associated with the following publications: (PMID: 29843651, 31453292)

Ambry Genetics
Classification: Benign for Cardiovascular phenotype. Last evaluated: 2019-04-03. Review status: criteria provided, single submitter. Criteria: Ambry Variant Classification Scheme 2023. Collection method: clinical testing. Allele origin: germline.

Breakthrough Genomics
Classification: Benign. Review status: criteria provided, single submitter. Criteria: ACMG Guidelines, 2015. Collection method: not provided. Allele origin: germline. Inheritance: Autosomal dominant inheritance. Affected: yes.